The following is an entry in ClinVar:

NM_003632.3(CNTNAP1):c.2302G>C (p.Glu768Gln)

Gene: CNTNAP1 (contactin associated protein 1; plus strand). Cytogenetic location: 17q21.2.
Variant type: single nucleotide variant.
Coding change: c.2302G>C on transcript NM_003632.3 (MANE Select); coding-DNA position 2302, G replaced by C.
Protein change: p.Glu768Gln; replaces glutamic acid 768 with glutamine.
Molecular consequence: missense variant.
Genome position (GRCh38, 1-based): chr17:42,691,469, G>C. VCF-style: chr17-42691469-G-C. GRCh37 (hg19) VCF-style: chr17-40843487-G-C.
Other names: short protein forms E768Q.
Identifiers: ClinVar variation 4536830 (VCV004536830.1).
Genomic context (GRCh38, chr17:42,691,469, plus strand): 5'-TTTGTGGACCATCTGCCTGTCACTCAGGTAGTGATAGGGGATACGAACCGCTCCACTTCT[G>C]AGGCCCAGTTCTTCCTGAGGCCTCTGCGCTGCTATGGCGATCGTGAGTGGCAGTCCCCTT-3'
Protein context (NP_003623.1, residues 758-778): VIGDTNRSTS[Glu768Gln]AQFFLRPLRC

ClinVar aggregate classification (germline): Uncertain significance (1 of 4 stars; one submission).

Submission:

Women's Health and Genetics/Laboratory Corporation of America, LabCorp
Classification: Uncertain significance. Last evaluated: 2025-11-11. Review status: criteria provided, single submitter. Criteria: LabCorp Variant Classification Summary - May 2015. Collection method: clinical testing. Allele origin: germline.
Comment: Variant summary: CNTNAP1 c.2302G>C (p.Glu768Gln) results in a conservative amino acid change in the encoded protein sequence. Algorithms developed to predict the effect of missense changes on protein structure and function are either unavailable or do not agree on the potential impact of this missense change. The variant was absent in 251448 control chromosomes. The available data on variant occurrences in the general population are insufficient to allow any conclusion about variant significance. To our knowledge, no occurrence of c.2302G>C in individuals affected with CNTNAP1-related conditions and no experimental evidence demonstrating its impact on protein function have been reported. No submitters have cited clinical-significance assessments for this variant to ClinVar. Based on the evidence outlined above, the variant was classified as uncertain significance.